The following is an entry in ClinVar:

NM_001042492.3(NF1):c.2069C>T (p.Ala690Val)

Gene: NF1 (neurofibromin 1; plus strand). Cytogenetic location: 17q11.2.
Variant type: single nucleotide variant.
Coding change: c.2069C>T on transcript NM_001042492.3 (MANE Select); coding-DNA position 2069, C replaced by T.
Protein change: p.Ala690Val; replaces alanine 690 with valine.
Molecular consequence: missense variant.
Genome position (GRCh38, 1-based): chr17:31,226,502, C>T. VCF-style: chr17-31226502-C-T. GRCh37 (hg19) VCF-style: chr17-29553520-C-T.
Other names: c.2069C>T, p.Ala690Val (NM_000267.4); short protein forms A690V.
Identifiers: ClinVar variation 837483 (VCV000837483.8), dbSNP rs2067016932, ClinGen allele CA398982159.

ClinVar aggregate classification (germline): Uncertain significance (1 of 4 stars; one submission).

Conditions:
Neurofibromatosis, type 1 (NF1). Also called: Peripheral type neurofibromatosis; Neurofibromatosis, type I; VON RECKLINGHAUSEN DISEASE; NEUROFIBROMATOSIS, TYPE I, SOMATIC. Identifiers: Orphanet 636, MedGen C0027831, MONDO:0018975, OMIM 162200. Disease mechanism: loss of function.

Submission:

Labcorp Genetics (formerly Invitae), Labcorp
Classification: Uncertain significance for Neurofibromatosis, type 1. Last evaluated: 2019-12-23. Review status: criteria provided, single submitter. Criteria: Invitae Variant Classification Sherloc (09022015). Collection method: clinical testing. Allele origin: germline.
Comment: In summary, the available evidence is currently insufficient to determine the role of this variant in disease. Therefore, it has been classified as a Variant of Uncertain Significance. This sequence change replaces alanine with valine at codon 690 of the NF1 protein (p.Ala690Val). The alanine residue is moderately conserved and there is a small physicochemical difference between alanine and valine. Algorithms developed to predict the effect of missense changes on protein structure and function (SIFT, PolyPhen-2, Align-GVGD) all suggest that this variant is likely to be tolerated, but these predictions have not been confirmed by published functional studies and their clinical significance is uncertain. This variant has not been reported in the literature in individuals with NF1-related conditions. This variant is not present in population databases (ExAC no frequency).